The following is an entry in ClinVar:

ClinVar aggregate classification (germline): Uncertain significance (1 of 4 stars; one submission).

Conditions:
Acyl-CoA oxidase deficiency. Also called: STRAIGHT-CHAIN ACYL-CoA OXIDASE DEFICIENCY; Pseudoneonatal adrenoleukodystrophy; Peroxisomal acyl-CoA oxidase deficiency. Identifiers: Orphanet 2971, MedGen C1849678, MONDO:0009919, OMIM 264470. Disease mechanism: loss of function.

gnomAD v4.1: 3 of 1,614,128 alleles (0.00019%); highest among the groups gnomAD compares: African/African-American, 0.0027%; no homozygotes.

Submission:

Labcorp Genetics (formerly Invitae), Labcorp
Classification: Uncertain significance for Acyl-CoA oxidase deficiency. Last evaluated: 2025-05-28. Review status: criteria provided, single submitter. Criteria: Invitae Variant Classification Sherloc (09022015). Collection method: clinical testing. Allele origin: germline.
Comment: This sequence change replaces glutamine, which is neutral and polar, with glutamic acid, which is acidic and polar, at codon 552 of the ACOX1 protein (p.Gln552Glu). This variant is present in population databases (rs189363139, gnomAD 0.007%). This variant has not been reported in the literature in individuals affected with ACOX1-related conditions. Invitae Evidence Modeling of protein sequence and biophysical properties (such as structural, functional, and spatial information, amino acid conservation, physicochemical variation, residue mobility, and thermodynamic stability) indicates that this missense variant is not expected to disrupt ACOX1 protein function with a negative predictive value of 80%. In summary, the available evidence is currently insufficient to determine the role of this variant in disease. Therefore, it has been classified as a Variant of Uncertain Significance.

NM_004035.7(ACOX1):c.1654C>G (p.Gln552Glu)

Gene: ACOX1 (acyl-CoA oxidase 1; minus strand). Cytogenetic location: 17q25.1.
Variant type: single nucleotide variant.
Coding change: c.1654C>G on transcript NM_004035.7 (MANE Select); coding-DNA position 1654, C replaced by G.
Protein change: p.Gln552Glu; replaces glutamine 552 with glutamic acid.
Molecular consequence: missense variant.
Genome position (GRCh38, 1-based): chr17:75,949,291, G>C on the plus strand (C>G on the coding strand, the complement: ACOX1 is on the minus strand). VCF-style: chr17-75949291-G-C. GRCh37 (hg19) VCF-style: chr17-73945372-G-C.
Other names: c.1540C>G, p.Gln514Glu (NM_001185039.2); c.1654C>G, p.Gln552Glu (NM_007292.6); short protein forms Q514E, Q552E.
Identifiers: ClinVar variation 4763303 (VCV004763303.1).